The following is an entry in ClinVar:

NM_004525.3(LRP2):c.13620+14C>G

Gene: LRP2 (LDL receptor related protein 2; minus strand). Cytogenetic location: 2q31.1.
Variant type: single nucleotide variant.
Coding change: c.13620+14C>G on transcript NM_004525.3 (MANE Select); 14 bases into the intron after coding-DNA position 13620, C replaced by G.
Molecular consequence: intron variant.
Genome position (GRCh38, 1-based): chr2:169,137,378, G>C on the plus strand (C>G on the coding strand, the complement: LRP2 is on the minus strand). VCF-style: chr2-169137378-G-C. GRCh37 (hg19) VCF-style: chr2-169993888-G-C.
Identifiers: ClinVar variation 893368 (VCV000893368.16), dbSNP rs142018904, ClinGen allele CA1952477.

ClinVar aggregate classification (germline): Benign/Likely benign. Review status: criteria provided, multiple submitters, no conflicts (2 of 4 stars). 5 submissions from 5 submitters: Benign (3); Likely benign (2). Last evaluated 2026-01-27.

Conditions:
Donnai-Barrow syndrome. Also called: FACIOOCULOACOUSTICORENAL SYNDROME; DBS/FOAR SYNDROME. Identifiers: Orphanet 2143, MedGen C1857277, MONDO:0009104, OMIM 222448.

Allele frequency attached by ClinVar (database versions not stated): 1000 Genomes Project 0.00319; gnomAD 0.00360 and 0.00384; 1000 Genomes Project 30x 0.00375; ESP Exome Variant Server 0.00377; TOPMed 0.00445.
gnomAD v4.1: 1,050 of 1,564,662 alleles (0.067%); highest among the groups gnomAD compares: African/African-American, 1.3%; 7 homozygotes.

Submissions (5):

Labcorp Genetics (formerly Invitae), Labcorp
Classification: Benign. Last evaluated: 2026-01-27. Review status: criteria provided, single submitter. Criteria: Invitae Variant Classification Sherloc (09022015). Collection method: clinical testing. Allele origin: germline.

Blueprint Genetics
Classification: Likely benign. Last evaluated: 2024-10-10. Review status: criteria provided, single submitter. Criteria: ACMG Guidelines, 2015. Collection method: clinical testing. Allele origin: germline.

Fulgent Genetics
Classification: Likely benign for Donnai-Barrow syndrome. Last evaluated: 2021-09-02. Review status: criteria provided, single submitter. Criteria: ACMG Guidelines, 2015. Collection method: clinical testing. Allele origin: unknown.

Genome-Nilou Lab
Classification: Benign for Donnai-Barrow syndrome. Last evaluated: 2021-07-15. Review status: criteria provided, single submitter. Criteria: ACMG Guidelines, 2015. Collection method: clinical testing. Allele origin: germline. Affected: no.

Illumina Laboratory Services, Illumina
Classification: Benign for Donnai-Barrow syndrome. Last evaluated: 2018-01-13. Review status: criteria provided, single submitter. Criteria: ICSL Variant Classification Criteria 13 December 2019. Collection method: clinical testing. Allele origin: germline.
Comment: This variant was observed in the ICSL laboratory as part of a predisposition screen in an ostensibly healthy population. It had not been previously curated by ICSL or reported in the Human Gene Mutation Database (HGMD: prior to June 1st, 2018), and was therefore a candidate for classification through an automated scoring system. Utilizing variant allele frequency, disease prevalence and penetrance estimates, and inheritance mode, an automated score was calculated to assess if this variant is too frequent to cause the disease. Based on the score and internal cut-off values, a variant classified as benign is not then subjected to further curation. The score for this variant resulted in a classification of benign for this disease.